The following is an entry in ClinVar:

ClinVar aggregate classification (germline): Uncertain significance. Review status: criteria provided, multiple submitters, no conflicts (2 of 4 stars). 2 submissions from 2 submitters: Uncertain significance (2). Last evaluated 2022-01-21.

Conditions:
Vesicoureteral reflux 2 (VUR2). Identifiers: Orphanet 289365, MedGen C1970483, MONDO:0012573, OMIM 610878.

Allele frequency attached by ClinVar (database versions not stated): gnomAD exomes below 0.00001; ExAC 0.00001; gnomAD 0.00001.
gnomAD v4.1: 9 of 1,612,002 alleles (0.00056%); highest among the groups gnomAD compares: Non-Finnish European, 0.00076%; no homozygotes.

Submissions (2):

GeneDx
Classification: Uncertain significance. Last evaluated: 2022-01-21. Review status: criteria provided, single submitter. Criteria: GeneDx Variant Classification Process June 2021. Collection method: clinical testing. Allele origin: germline. Affected: yes.
Comment: Not observed at significant frequency in large population cohorts (gnomAD); In silico analysis supports that this missense variant has a deleterious effect on protein structure/function; Has not been previously published as pathogenic or benign to our knowledge

Illumina Laboratory Services, Illumina
Classification: Uncertain significance for Vesicoureteral reflux 2. Last evaluated: 2018-01-13. Review status: criteria provided, single submitter. Criteria: ICSL Variant Classification Criteria 13 December 2019. Collection method: clinical testing. Allele origin: germline.

NM_001395656.1(ROBO2):c.2200C>T (p.Arg734Cys)

Genes: ROBO2 (roundabout guidance receptor 2; plus strand), LOC126806727 (BRD4-independent group 4 enhancer GRCh37_chr3:77623115-77624314; plus strand). Cytogenetic location: 3p12.3.
Variant type: single nucleotide variant.
Coding change: c.2200C>T on transcript NM_001395656.1 (MANE Select); coding-DNA position 2200, C replaced by T.
Protein change: p.Arg734Cys; replaces arginine 734 with cysteine.
Molecular consequence: missense variant.
Genome position (GRCh38, 1-based): chr3:77,574,715, C>T. VCF-style: chr3-77574715-C-T. GRCh37 (hg19) VCF-style: chr3-77623866-C-T.
Other names: c.2236C>T, p.Arg746Cys (NM_001128929.3); c.2200C>T, p.Arg734Cys (NM_001290039.2, NM_001290040.2, NM_001378202.1); c.409C>T, p.Arg137Cys (NM_001290065.2); c.2248C>T, p.Arg750Cys (NM_001378190.1, NM_001378191.1, NM_001378195.1 and 4 more transcripts); c.2269C>T, p.Arg757Cys (NM_001378192.1, NM_001378194.1, NM_001378198.1 and 2 more transcripts); c.2188C>T, p.Arg730Cys (NM_001378193.1, NM_001378197.1, NM_002942.5); c.2257C>T, p.Arg753Cys (NM_001394212.1, NM_001394214.1, NM_001395657.1); short protein forms R750C, R734C, R746C, R757C, R137C, R730C, R753C.
Identifiers: ClinVar variation 900887 (VCV000900887.6), dbSNP rs751993663, ClinGen allele CA2497251.
Genomic context (GRCh38, chr3:77,574,715, plus strand): 5'-ATTAAAGTACGGCCATATTTTAATGAGTTCCAAGGAATGGATAGTGAATCTAAAACGGTT[C>T]GTACTACTGAAGAAGGTCAGTATTCAGATTTCGAATATAAATCAAACATGATGAAACCAA-3'
Protein context (NP_001382585.1, residues 724-744): QGMDSESKTV[Arg734Cys]TTEEAPSAPP